The following is an entry in ClinVar:

ClinVar aggregate classification (germline): Uncertain significance (1 of 4 stars; one submission).

Conditions:
Immunodeficiency. Identifiers: MedGen C0021051, MONDO:0021094, HP:0002721.

Allele frequency attached by ClinVar (database versions not stated): gnomAD exomes 0.00001; ExAC 0.00002; TOPMed 0.00002; 1000 Genomes Project 30x 0.00016; 1000 Genomes Project 0.00020.

Submission:

Labcorp Genetics (formerly Invitae), Labcorp
Classification: Uncertain significance for Immunodeficiency. Last evaluated: 2022-08-19. Review status: criteria provided, single submitter. Criteria: Invitae Variant Classification Sherloc (09022015). Collection method: clinical testing. Allele origin: germline.
Comment: In summary, the available evidence is currently insufficient to determine the role of this variant in disease. Therefore, it has been classified as a Variant of Uncertain Significance. Algorithms developed to predict the effect of missense changes on protein structure and function are either unavailable or do not agree on the potential impact of this missense change (SIFT: "Deleterious"; PolyPhen-2: "Probably Damaging"; Align-GVGD: "Class C0"). ClinVar contains an entry for this variant (Variation ID: 843151). This variant has not been reported in the literature in individuals affected with NFAT5-related conditions. This variant is present in population databases (rs193135386, gnomAD 0.007%). This sequence change replaces glutamine, which is neutral and polar, with arginine, which is basic and polar, at codon 1447 of the NFAT5 protein (p.Gln1447Arg).

NM_138713.4(NFAT5):c.4622A>G (p.Gln1541Arg)

Gene: NFAT5 (nuclear factor of activated T cells 5; plus strand). Cytogenetic location: 16q22.1.
Variant type: single nucleotide variant.
Coding change: c.4622A>G on transcript NM_138713.4 (MANE Select); coding-DNA position 4622, A replaced by G.
Protein change: p.Gln1541Arg; replaces glutamine 1541 with arginine.
Molecular consequence: missense variant.
Genome position (GRCh38, 1-based): chr16:69,695,343, A>G. VCF-style: chr16-69695343-A-G. GRCh37 (hg19) VCF-style: chr16-69729246-A-G.
Other names: c.4619A>G, p.Gln1540Arg (NM_001113178.3); c.3947A>G, p.Gln1316Arg (NM_001367709.1); c.4568A>G, p.Gln1523Arg (NM_006599.4); c.4340A>G, p.Gln1447Arg (NM_138714.4, NM_173214.3, NM_173215.3); short protein forms Q1541R, Q1523R, Q1447R, Q1316R, Q1540R.
Identifiers: ClinVar variation 843151 (VCV000843151.7), dbSNP rs193135386, ClinGen allele CA8136091.